The following is an entry in ClinVar:

NM_001289125.3(IFNAR2):c.910G>T (p.Val304Phe)

Genes: IFNAR2 (interferon alpha and beta receptor subunit 2; plus strand), IFNAR2-IL10RB (IFNAR2-IL10RB readthrough; plus strand). Cytogenetic location: 21q22.11.
Variant type: single nucleotide variant.
Coding change: c.910G>T on transcript NM_001289125.3 (MANE Select); coding-DNA position 910, G replaced by T.
Protein change: p.Val304Phe; replaces valine 304 with phenylalanine.
Molecular consequence: missense variant. On other transcripts: 3 prime UTR variant (5), intron variant (1).
Genome position (GRCh38, 1-based): chr21:33,262,862, G>T. VCF-style: chr21-33262862-G-T. GRCh37 (hg19) VCF-style: chr21-34635167-G-T.
Other names: c.*146G>T (NM_000874.5, NM_207584.3); c.*59G>T (NM_001289126.2, NM_001289128.2); c.*285G>T (NM_001385054.1); c.910G>T, p.Val304Phe (NM_001385055.1, NM_207585.3); c.710-5532G>T (NM_001414505.1); short protein forms V304F.
Identifiers: ClinVar variation 4732636 (VCV004732636.1).

ClinVar aggregate classification (germline): Uncertain significance (1 of 4 stars; one submission).

Submission:

Labcorp Genetics (formerly Invitae), Labcorp
Classification: Uncertain significance. Last evaluated: 2025-12-11. Review status: criteria provided, single submitter. Criteria: Invitae Variant Classification Sherloc (09022015). Collection method: clinical testing. Allele origin: germline.
Comment: This sequence change replaces valine, which is neutral and non-polar, with phenylalanine, which is neutral and non-polar, at codon 304 of the IFNAR2 protein (p.Val304Phe). This variant is not present in population databases (gnomAD no frequency). This variant has not been reported in the literature in individuals affected with IFNAR2-related conditions. An algorithm developed to predict the effect of missense changes on protein structure and function (PolyPhen-2) suggests that this variant is likely to be disruptive. In summary, the available evidence is currently insufficient to determine the role of this variant in disease. Therefore, it has been classified as a Variant of Uncertain Significance.